The following is an entry in ClinVar:

NM_014141.6(CNTNAP2):c.3992_3996dup (p.Ile1331_Ter1332=)

Gene: CNTNAP2 (contactin associated protein 2; plus strand). Cytogenetic location: 7q36.1.
Variant type: Duplication.
Coding change: c.3992_3996dup on transcript NM_014141.6 (MANE Select); coding-DNA positions 3992 to 3996, 5 bases duplicated (TTTGA; older notation c.3992_3996dupTTTGA).
Protein change: p.Ile1331_Ter1332=.
Molecular consequence: synonymous variant.
Genome position (GRCh38, 1-based): chr7:148,415,612-148,415,616, TTTGA duplicated; duplicating any 5 consecutive bases within chr7:148,415,611-148,415,616 gives the same sequence; the c. name uses the placement nearest the transcript's 3' end. VCF-style (leftmost placement, unchanged base first): chr7-148415610-C-CATTTG. GRCh37 (hg19) VCF-style: chr7-148112702-C-CATTTG.
Other names: c.3992_3996dup (NM_014141.5).
Identifiers: ClinVar variation 2984439 (VCV002984439.4), dbSNP rs2485760600, ClinGen allele CA2685455946.

ClinVar aggregate classification (germline): Conflicting classifications of pathogenicity. Review status: criteria provided, conflicting classifications (1 of 4 stars). 2 submissions from 2 submitters: Uncertain significance (1); Likely benign (1). Last evaluated 2024-05-16.

Conditions:
Cortical dysplasia-focal epilepsy syndrome (PTHSL1). Also called: Pitt-Hopkins-like syndrome 1. Identifiers: Orphanet 163681, Orphanet 221150, MedGen C2750246, MONDO:0012400, OMIM 610042.

Submissions (2):

GeneDx
Classification: Uncertain significance. Last evaluated: 2024-05-16. Review status: criteria provided, single submitter. Criteria: GeneDx Variant Classification Process June 2021. Collection method: clinical testing. Allele origin: germline. Affected: yes.
Comment: Not observed at significant frequency in large population cohorts (gnomAD); Located in a region that tolerates variation and lacks pathogenic variants; Has not been previously published as pathogenic or benign to our knowledge

Labcorp Genetics (formerly Invitae), Labcorp
Classification: Likely benign for Cortical dysplasia-focal epilepsy syndrome. Last evaluated: 2023-11-16. Review status: criteria provided, single submitter. Criteria: Invitae Variant Classification Sherloc (09022015). Collection method: clinical testing. Allele origin: germline.